The following is an entry in ClinVar:

ClinVar aggregate classification (germline): Uncertain significance. Review status: criteria provided, multiple submitters, no conflicts (2 of 4 stars). 3 submissions from 3 submitters: Uncertain significance (3). Last evaluated 2025-10-02.

Conditions:
Inborn genetic diseases. Identifiers: MedGen C0950123, MeSH D030342.
Hyperekplexia 3 (HKPX3). Also called: HYPEREKPLEXIA 3, AUTOSOMAL RECESSIVE; HYPEREKPLEXIA 3, AUTOSOMAL DOMINANT. Identifiers: Orphanet 3197, MedGen C3553288, MONDO:0013827, OMIM 614618.

Allele frequency attached by ClinVar (database versions not stated): ExAC 0.00005; gnomAD exomes 0.00005 and 0.00006; TOPMed 0.00005; gnomAD 0.00007.
gnomAD v4.1: 84 of 1,613,984 alleles (0.0052%); highest among the groups gnomAD compares: Non-Finnish European, 0.0064%; no homozygotes.

Submissions (3):

Labcorp Genetics (formerly Invitae), Labcorp
Classification: Uncertain significance for Hyperekplexia 3. Last evaluated: 2025-10-02. Review status: criteria provided, single submitter. Criteria: Invitae Variant Classification Sherloc (09022015). Collection method: clinical testing. Allele origin: germline.
Comment: This sequence change replaces proline, which is neutral and non-polar, with leucine, which is neutral and non-polar, at codon 756 of the SLC6A5 protein (p.Pro756Leu). This variant is present in population databases (rs199835047, gnomAD 0.01%). This variant has not been reported in the literature in individuals affected with SLC6A5-related conditions. ClinVar contains an entry for this variant (Variation ID: 1519570). Invitae Evidence Modeling of protein sequence and biophysical properties (such as structural, functional, and spatial information, amino acid conservation, physicochemical variation, residue mobility, and thermodynamic stability) has been performed for this missense variant. However, the output from this modeling did not meet the statistical confidence thresholds required to predict the impact of this variant on SLC6A5 protein function. In summary, the available evidence is currently insufficient to determine the role of this variant in disease. Therefore, it has been classified as a Variant of Uncertain Significance.

Blueprint Genetics
Classification: Uncertain significance. Last evaluated: 2024-09-23. Review status: criteria provided, single submitter. Criteria: ACMG Guidelines, 2015. Collection method: clinical testing. Allele origin: germline.

Ambry Genetics
Classification: Uncertain significance for Inborn genetic diseases. Last evaluated: 2022-01-31. Review status: criteria provided, single submitter. Criteria: Ambry Variant Classification Scheme 2023. Collection method: clinical testing. Allele origin: germline.

NM_004211.5(SLC6A5):c.2267C>T (p.Pro756Leu)

Gene: SLC6A5 (solute carrier family 6 member 5; plus strand). Cytogenetic location: 11p15.1.
Variant type: single nucleotide variant.
Coding change: c.2267C>T on transcript NM_004211.5 (MANE Select); coding-DNA position 2267, C replaced by T.
Protein change: p.Pro756Leu; replaces proline 756 with leucine.
Molecular consequence: missense variant.
Genome position (GRCh38, 1-based): chr11:20,654,741, C>T. VCF-style: chr11-20654741-C-T. GRCh37 (hg19) VCF-style: chr11-20676287-C-T.
Other names: c.1565C>T, p.Pro522Leu (NM_001318369.2); c.2267C>T (NM_004211.3); short protein forms P522L, P756L.
Identifiers: ClinVar variation 1519570 (VCV001519570.8), dbSNP rs199835047, ClinGen allele CA5921752.